The following is an entry in ClinVar:

ClinVar aggregate classification (germline): Uncertain significance (1 of 4 stars; one submission).

Submission:

GeneDx
Classification: Uncertain significance. Last evaluated: 2019-01-02. Review status: criteria provided, single submitter. Criteria: GeneDx Variant Classification Process June 2021. Collection method: clinical testing. Allele origin: germline. Affected: yes.
Comment: Has not been previously published as pathogenic or benign to our knowledge; Not observed in large population cohorts (Lek et al., 2016); In silico analysis, which includes protein predictors and evolutionary conservation, supports that this variant does not alter protein structure/function

NM_020754.4(ARHGAP31):c.3448T>C (p.Cys1150Arg)

Gene: ARHGAP31 (Rho GTPase activating protein 31; plus strand). Cytogenetic location: 3q13.33.
Variant type: single nucleotide variant.
Coding change: c.3448T>C on transcript NM_020754.4 (MANE Select); coding-DNA position 3448, T replaced by C.
Protein change: p.Cys1150Arg; replaces cysteine 1150 with arginine.
Molecular consequence: missense variant.
Genome position (GRCh38, 1-based): chr3:119,415,377, T>C. VCF-style: chr3-119415377-T-C. GRCh37 (hg19) VCF-style: chr3-119134224-T-C.
Other names: short protein forms C1150R.
Identifiers: ClinVar variation 1304470 (VCV001304470.2), dbSNP rs2107647671, ClinGen allele CA354058807.
Genomic context (GRCh38, chr3:119,415,377, plus strand): 5'-CCTGGAATGCAGGTCTCTGAGCCAGGAGACCCAAAGGTCACATGGATGACCTCATCTTAC[T>C]GTAAAGCAGACCCCTGGAGGGTTTACTCCCAGGACCCCCAGGACCTGGACATTGTTGCTC-3'
Protein context (NP_065805.2, residues 1140-1160): PKVTWMTSSY[Cys1150Arg]KADPWRVYSQ